The following is an entry in ClinVar:

ClinVar aggregate classification (germline): Likely benign. Review status: criteria provided, multiple submitters, no conflicts (2 of 4 stars). 4 submissions from 4 submitters: Likely benign (4). Last evaluated 2023-10-15.

Conditions:
Familial thoracic aortic aneurysm and aortic dissection (TAAD). Also called: Thoracic aortic aneurysms and dissections. Identifiers: Orphanet 91387, MedGen C4707243, MONDO:0019625.
Marfan syndrome (MFS). Also called: Marfan syndrome type 1; Marfan's syndrome; Marfan syndrome, classic; MARFAN SYNDROME, TYPE I; FBN1-Related Marfan Syndrome. Identifiers: Orphanet 284963, Orphanet 558, MedGen C0024796, MONDO:0007947, OMIM 154700.

Allele frequency attached by ClinVar (database versions not stated): gnomAD exomes below 0.00001; ExAC 0.00001; gnomAD 0.00001; TOPMed 0.00003.
gnomAD v4.1: 5 of 1,614,072 alleles (0.00031%); highest among the groups gnomAD compares: African/African-American, 0.0067%; no homozygotes.

Submissions (4):

Ambry Genetics
Classification: Likely benign for Familial thoracic aortic aneurysm and aortic dissection. Last evaluated: 2023-10-15. Review status: criteria provided, single submitter. Criteria: Ambry Variant Classification Scheme 2023. Collection method: clinical testing. Allele origin: germline.

All of Us Research Program, National Institutes of Health
Classification: Likely benign for Marfan syndrome. Last evaluated: 2023-04-03. Review status: criteria provided, single submitter. Criteria: ACMG Guidelines, 2015. Collection method: clinical testing. Allele origin: germline. Inheritance: Autosomal dominant inheritance. Observed: 1 variant allele, 1 heterozygote.
Comment: This study involves interpretation of variants in research participants for the purpose of population health screening. Participant phenotype was not available at the time of variant classification. Additional details can be found in publication PMID: 35346344, PMCID: PMC8962531

Color Diagnostics, LLC DBA Color Health
Classification: Likely benign for Familial thoracic aortic aneurysm and aortic dissection. Last evaluated: 2022-11-06. Review status: criteria provided, single submitter. Criteria: ACMG Guidelines, 2015. Collection method: clinical testing. Allele origin: germline.

Labcorp Genetics (formerly Invitae), Labcorp
Classification: Likely benign for Marfan syndrome; Familial thoracic aortic aneurysm and aortic dissection. Last evaluated: 2022-09-07. Review status: criteria provided, single submitter. Criteria: Invitae Variant Classification Sherloc (09022015). Collection method: clinical testing. Allele origin: germline.

NM_000138.5(FBN1):c.2058C>A (p.Ala686=)

Gene: FBN1 (fibrillin 1; minus strand). Cytogenetic location: 15q21.1.
Variant type: single nucleotide variant.
Coding change: c.2058C>A on transcript NM_000138.5 (MANE Select); coding-DNA position 2058, C replaced by A.
Protein change: p.Ala686=; no amino-acid change (alanine 686 retained).
Molecular consequence: synonymous variant.
Genome position (GRCh38, 1-based): chr15:48,503,842, G>T on the plus strand (C>A on the coding strand, the complement: FBN1 is on the minus strand). VCF-style: chr15-48503842-G-T. GRCh37 (hg19) VCF-style: chr15-48796039-G-T.
Other names: c.2058C>A (NM_000138.4).
Identifiers: ClinVar variation 1080582 (VCV001080582.12), dbSNP rs759859967, ClinGen allele CA046647.